The following is an entry in ClinVar:

NM_198123.2(CSMD3):c.2842G>A (p.Val948Ile)

Gene: CSMD3 (CUB and Sushi multiple domains 3; minus strand). Cytogenetic location: 8q23.3.
Variant type: single nucleotide variant.
Coding change: c.2842G>A on transcript NM_198123.2 (MANE Select); coding-DNA position 2842, G replaced by A.
Protein change: p.Val948Ile; replaces valine 948 with isoleucine.
Molecular consequence: missense variant.
Genome position (GRCh38, 1-based): chr8:112,656,316, C>T on the plus strand (G>A on the coding strand, the complement: CSMD3 is on the minus strand). VCF-style: chr8-112656316-C-T. GRCh37 (hg19) VCF-style: chr8-113668545-C-T.
Other names: c.2452G>A, p.Val818Ile (NM_001363185.1); c.2530G>A, p.Val844Ile (NM_052900.3); c.2722G>A, p.Val908Ile (NM_198124.2); short protein forms V818I, V844I, V908I, V948I.
Identifiers: ClinVar variation 3046180 (VCV003046180.2), dbSNP rs145207636, ClinGen allele CA4850577.

ClinVar aggregate classification (germline): Likely benign (0 of 4 stars; one submission).

Conditions:
CSMD3-related disorder. Also called: CSMD3-related condition.

Allele frequency attached by ClinVar (database versions not stated): gnomAD exomes 0.00010; ExAC 0.00038; gnomAD 0.00137; TOPMed 0.00167; ESP Exome Variant Server 0.00177; 1000 Genomes Project 0.00180; 1000 Genomes Project 30x 0.00203.
gnomAD v4.1: 361 of 1,613,156 alleles (0.022%); highest among the groups gnomAD compares: African/African-American, 0.42%; 1 homozygote.

Submission:

PreventionGenetics, part of Exact Sciences
Classification: Likely benign for CSMD3-related condition. Last evaluated: 2022-06-23. Review status: no assertion criteria provided. Collection method: clinical testing. Allele origin: germline.
Comment: This variant is classified as likely benign based on ACMG/AMP sequence variant interpretation guidelines (Richards et al. 2015 PMID: 25741868, with internal and published modifications).